The following is an entry in ClinVar:

NM_176824.3(BBS7):c.213G>A (p.Leu71=)

Gene: BBS7 (Bardet-Biedl syndrome 7; minus strand). Cytogenetic location: 4q27.
Variant type: single nucleotide variant.
Coding change: c.213G>A on transcript NM_176824.3 (MANE Select); coding-DNA position 213, G replaced by A.
Protein change: p.Leu71=; no amino-acid change (leucine 71 retained).
Molecular consequence: synonymous variant.
Genome position (GRCh38, 1-based): chr4:121,861,632, C>T on the plus strand (G>A on the coding strand, the complement: BBS7 is on the minus strand). VCF-style: chr4-121861632-C-T. GRCh37 (hg19) VCF-style: chr4-122782787-C-T.
Other names: c.213G>A, p.Leu71= (NM_018190.4); c.213G>A (NM_176824.2).
Identifiers: ClinVar variation 500114 (VCV000500114.11), dbSNP rs778509860, ClinGen allele CA3064555.

ClinVar aggregate classification (germline): Conflicting classifications of pathogenicity. Review status: criteria provided, conflicting classifications (1 of 4 stars). 3 submissions from 3 submitters: Uncertain significance (1); Likely benign (1). 1 of the submissions does not count toward it. Last evaluated 2024-03-14.

Conditions:
BBS7-related disorder. Also called: BBS7-related condition.
Bardet-Biedl syndrome (BBS). Identifiers: Orphanet 110, MedGen C0752166, MONDO:0015229.

Allele frequency attached by ClinVar (database versions not stated): gnomAD 0.00001; gnomAD exomes 0.00001 and 0.00004; ExAC 0.00002.
gnomAD v4.1: 22 of 1,613,476 alleles (0.0014%); highest among the groups gnomAD compares: Admixed American, 0.0083%; no homozygotes.

Submissions (3):

Labcorp Genetics (formerly Invitae), Labcorp
Classification: Likely benign for Bardet-Biedl syndrome. Last evaluated: 2024-03-14. Review status: criteria provided, single submitter. Criteria: Invitae Variant Classification Sherloc (09022015). Collection method: clinical testing. Allele origin: germline.

Eurofins Ntd Llc (ga)
Classification: Uncertain significance. Last evaluated: 2017-02-03. Review status: criteria provided, single submitter. Criteria: EGL Classification Definitions 2015. Collection method: clinical testing. Allele origin: germline. Observed: 1 variant allele, 1 heterozygote.

PreventionGenetics, part of Exact Sciences
Classification: Likely benign for BBS7-related condition. Last evaluated: 2021-07-23. Review status: no assertion criteria provided. Collection method: clinical testing. Allele origin: germline. Not counted in ClinVar's aggregate classification.
Comment: This variant is classified as likely benign based on ACMG/AMP sequence variant interpretation guidelines (Richards et al. 2015 PMID: 25741868, with internal and published modifications).